The following is an entry in ClinVar:

ClinVar aggregate classification (germline): Uncertain significance (1 of 4 stars; one submission).

Conditions:
Leigh syndrome (NULS). Also called: Leigh's necrotizing encephalopathy; Leigh's disease; Leigh Syndrome (mtDNA deletion); Leigh Disease; Subacute necrotizing encephalopathy; Necrotizing encephalopathy infantile subacute of Leigh. Identifiers: Orphanet 506, MedGen C2931891, MONDO:0009723, OMIM 256000.

Submission:

Wong Mito Lab, Molecular and Human Genetics, Baylor College of Medicine
Classification: Uncertain significance for Leigh syndrome. Last evaluated: 2019-10-17. Review status: criteria provided, single submitter. Criteria: Modified ACMG Guidelines (Unpublished). Collection method: clinical testing. Allele origin: germline.
Comment: The NC_012920.1:m.12587A>G (YP_003024036.1:p.Tyr84Cys) variant in MTND5 gene is interpretated to be a Uncertain Significance variant based on the modified ACMG guidelines (unpublished). This variant meets the following evidence codes: PP6

NC_012920.1(MT-ND5):m.12587A>G

Gene: MT-ND5 (mitochondrially encoded NADH dehydrogenase 5; plus strand).
Variant type: single nucleotide variant.
Genome position: chrM-12587-A-G.
Identifiers: ClinVar variation 693466 (VCV000693466.1), dbSNP rs1603223823, ClinGen allele CA414813888.
Genomic context (GRCh38, chrMT:12,587, plus strand): 5'-CGAACTGACACTGAGCCACAACCCAAACAACCCAGCTCTCCCTAAGCTTCAAACTAGACT[A>G]CTTCTCCATAATATTCATCCCTGTAGCATTGTTCGTTACATGGTCCATCATAGAATTCTC-3'